The following is an entry in ClinVar:

ClinVar aggregate classification (germline): Pathogenic (1 of 4 stars; one submission).

Conditions:
X-linked agammaglobulinemia with growth hormone deficiency (IGHD3). Also called: FLEISHER SYNDROME; HYPOGAMMAGLOBULINEMIA AND ISOLATED GROWTH HORMONE DEFICIENCY, X-LINKED; IGHD III; AGAMMAGLOBULINEMIA AND ISOLATED GROWTH HORMONE DEFICIENCY, X-LINKED; Isolated growth hormone deficiency type 3; Growth hormone deficiency with hypogammaglobulinemia. Identifiers: Orphanet 231692, Orphanet 631, MedGen C0472813, MONDO:0010615, OMIM 307200.

Submission:

Labcorp Genetics (formerly Invitae), Labcorp
Classification: Pathogenic for X-linked agammaglobulinemia with growth hormone deficiency. Last evaluated: 2022-05-17. Review status: criteria provided, single submitter. Criteria: Invitae Variant Classification Sherloc (09022015). Collection method: clinical testing. Allele origin: germline.
Comment: For these reasons, this variant has been classified as Pathogenic. This premature translational stop signal has been observed in individual(s) with X-linked agammaglobulinemia (PMID: 9445504, 21039741). This variant is not present in population databases (gnomAD no frequency). This sequence change creates a premature translational stop signal (p.Trp563*) in the BTK gene. It is expected to result in an absent or disrupted protein product. Loss-of-function variants in BTK are known to be pathogenic (PMID: 15661032, 16862044, 19419768).

Literature cited by the submitters: PubMed 9445504; PubMed 21039741; PubMed 15661032; PubMed 16862044; PubMed 19419768.

NM_000061.3(BTK):c.1689G>A (p.Trp563Ter)

Gene: BTK (Bruton tyrosine kinase; minus strand). Cytogenetic location: Xq22.1.
Variant type: single nucleotide variant.
Coding change: c.1689G>A on transcript NM_000061.3 (MANE Select); coding-DNA position 1689, G replaced by A.
Protein change: p.Trp563Ter; replaces tryptophan 563 with a stop codon.
Molecular consequence: nonsense.
Genome position (GRCh38, 1-based): chrX:101,353,931, C>T on the plus strand (G>A on the coding strand, the complement: BTK is on the minus strand). VCF-style: chrX-101353931-C-T. GRCh37 (hg19) VCF-style: chrX-100608919-C-T.
Other names: c.1791G>A, p.Trp597Ter (NM_001287344.2); c.1161G>A, p.Trp387Ter (NM_001287345.2); short protein forms W387*, W563*, W597*.
Identifiers: ClinVar variation 2138643 (VCV002138643.4), dbSNP rs2147424988, ClinGen allele CA413920542.